The following is an entry in ClinVar:

NM_000038.6(APC):c.7096T>C (p.Tyr2366His)

Gene: APC (APC regulator of Wnt signaling pathway; plus strand). Cytogenetic location: 5q22.2.
Variant type: single nucleotide variant.
Coding change: c.7096T>C on transcript NM_000038.6 (MANE Select); coding-DNA position 7096, T replaced by C.
Protein change: p.Tyr2366His; replaces tyrosine 2366 with histidine.
Molecular consequence: missense variant.
Genome position (GRCh38, 1-based): chr5:112,842,690, T>C. VCF-style: chr5-112842690-T-C. GRCh37 (hg19) VCF-style: chr5-112178387-T-C.
Other names: c.7096T>C, p.Tyr2366His (NM_001127510.3, NM_001354895.2); c.7042T>C, p.Tyr2348His (NM_001127511.3); c.7150T>C, p.Tyr2384His (NM_001354896.2); c.7126T>C, p.Tyr2376His (NM_001354897.2); c.7021T>C, p.Tyr2341His (NM_001354898.2); c.7012T>C, p.Tyr2338His (NM_001354899.2); c.6973T>C, p.Tyr2325His (NM_001354900.2); c.6919T>C, p.Tyr2307His (NM_001354901.2); and 5 more; short protein forms Y2366H, Y2376H, Y2240H, Y2265H, Y2325H, Y2384H, Y2083H, Y2275H.
Identifiers: ClinVar variation 1377591 (VCV001377591.7), dbSNP rs1580678398, ClinGen allele CA16036787.

ClinVar aggregate classification (germline): Uncertain significance (1 of 4 stars; one submission).

Conditions:
Familial adenomatous polyposis 1 (FAP1). Also called: FAMILIAL ADENOMATOUS POLYPOSIS 1, ATTENUATED; POLYPOSIS, ADENOMATOUS INTESTINAL. Identifiers: MedGen C2713442, MONDO:0021056, OMIM 175100. Disease mechanism: loss of function.

Submission:

Labcorp Genetics (formerly Invitae), Labcorp
Classification: Uncertain significance for Familial adenomatous polyposis 1. Last evaluated: 2021-03-09. Review status: criteria provided, single submitter. Criteria: Invitae Variant Classification Sherloc (09022015). Collection method: clinical testing. Allele origin: germline.
Comment: This sequence change replaces tyrosine with histidine at codon 2366 of the APC protein (p.Tyr2366His). The tyrosine residue is highly conserved and there is a moderate physicochemical difference between tyrosine and histidine. This variant is not present in population databases (ExAC no frequency). This variant has not been reported in the literature in individuals with APC-related conditions. Algorithms developed to predict the effect of missense changes on protein structure and function are either unavailable or do not agree on the potential impact of this missense change (SIFT: "Tolerated"; PolyPhen-2: "Probably Damaging"; Align-GVGD: "Class C0"). In summary, the available evidence is currently insufficient to determine the role of this variant in disease. Therefore, it has been classified as a Variant of Uncertain Significance.